The following is an entry in ClinVar:

NM_005751.5(AKAP9):c.6827A>C (p.Gln2276Pro)

Gene: AKAP9 (A-kinase anchoring protein 9; plus strand). Cytogenetic location: 7q21.2.
Variant type: single nucleotide variant.
Coding change: c.6827A>C on transcript NM_005751.5 (MANE Select); coding-DNA position 6827, A replaced by C.
Protein change: p.Gln2276Pro; replaces glutamine 2276 with proline.
Molecular consequence: missense variant.
Genome position (GRCh38, 1-based): chr7:92,077,757, A>C. VCF-style: chr7-92077757-A-C. GRCh37 (hg19) VCF-style: chr7-91707071-A-C.
Other names: c.1472A>C, p.Gln491Pro (NM_001379277.1); c.6803A>C, p.Gln2268Pro (NM_147185.3); short protein forms Q2268P, Q2276P, Q491P.
Identifiers: ClinVar variation 4034065 (VCV004034065.1).

ClinVar aggregate classification (germline): Uncertain significance (1 of 4 stars; one submission).

Conditions:
Cardiovascular phenotype. Identifiers: MedGen CN230736.

gnomAD v4.1: 2 of 1,613,970 alleles (0.00012%); highest among the groups gnomAD compares: Non-Finnish European, 0.00017%; no homozygotes.

Submission:

Ambry Genetics
Classification: Uncertain significance for Cardiovascular phenotype. Last evaluated: 2025-05-18. Review status: criteria provided, single submitter. Criteria: Ambry Variant Classification Scheme 2023. Collection method: clinical testing. Allele origin: germline.
Comment: The p.Q2276P variant (also known as c.6827A>C), located in coding exon 30 of the AKAP9 gene, results from an A to C substitution at nucleotide position 6827. The glutamine at codon 2276 is replaced by proline, an amino acid with similar properties. This amino acid position is conserved. In addition, this alteration is predicted to be tolerated by in silico analysis. Based on the available evidence, the clinical significance of this variant remains unclear.